The following is an entry in ClinVar:

ClinVar aggregate classification (germline): Uncertain significance (1 of 4 stars; one submission).

Allele frequency attached by ClinVar (database versions not stated): gnomAD 0.00002; TOPMed 0.00003.
gnomAD v4.1: 3 of 1,550,482 alleles (0.00019%); highest among the groups gnomAD compares: African/African-American, 0.0041%; no homozygotes.

Submission:

GeneDx
Classification: Uncertain significance. Last evaluated: 2022-09-28. Review status: criteria provided, single submitter. Criteria: GeneDx Variant Classification Process June 2021. Collection method: clinical testing. Allele origin: germline. Affected: yes.
Comment: Not observed at significant frequency in large population cohorts (gnomAD); In silico analysis supports that this variant does not alter splicing; Has not been previously published as pathogenic or benign to our knowledge

NM_001145026.2(PTPRQ):c.1641T>C (p.Ser547=)

Gene: PTPRQ (protein tyrosine phosphatase receptor type Q; plus strand). Cytogenetic location: 12q21.31.
Variant type: single nucleotide variant.
Coding change: c.1641T>C on transcript NM_001145026.2 (MANE Select); coding-DNA position 1641, T replaced by C.
Protein change: p.Ser547=; no amino-acid change (serine 547 retained).
Molecular consequence: synonymous variant.
Genome position (GRCh38, 1-based): chr12:80,495,033, T>C. VCF-style: chr12-80495033-T-C. GRCh37 (hg19) VCF-style: chr12-80888812-T-C.
Identifiers: ClinVar variation 2446617 (VCV002446617.1), dbSNP rs1053672803, ClinGen allele CA240255596.